The following is an entry in ClinVar:

NM_022124.6(CDH23):c.8866C>A (p.Arg2956Ser)

Gene: CDH23 (cadherin related 23; plus strand). Cytogenetic location: 10q22.1.
Variant type: single nucleotide variant.
Coding change: c.8866C>A on transcript NM_022124.6 (MANE Select); coding-DNA position 8866, C replaced by A.
Protein change: p.Arg2956Ser; replaces arginine 2956 with serine.
Molecular consequence: missense variant.
Genome position (GRCh38, 1-based): chr10:71,809,963, C>A. VCF-style: chr10-71809963-C-A. GRCh37 (hg19) VCF-style: chr10-73569720-C-A.
Other names: c.2146C>A, p.Arg716Ser (NM_001171933.1, NM_001171934.1); short protein forms R716S, R2956S.
Identifiers: ClinVar variation 1388834 (VCV001388834.3), dbSNP rs751367894, ClinGen allele CA377133605.

ClinVar aggregate classification (germline): Uncertain significance (1 of 4 stars; one submission).

gnomAD v4.1: 1 of 1,612,232 alleles (0.000062%); highest among the groups gnomAD compares: East Asian, 0.0022%; no homozygotes.

Submission:

Labcorp Genetics (formerly Invitae), Labcorp
Classification: Uncertain significance. Last evaluated: 2021-10-23. Review status: criteria provided, single submitter. Criteria: Invitae Variant Classification Sherloc (09022015). Collection method: clinical testing. Allele origin: germline.
Comment: This sequence change replaces arginine with serine at codon 2956 of the CDH23 protein (p.Arg2956Ser). The arginine residue is highly conserved and there is a moderate physicochemical difference between arginine and serine. This variant is not present in population databases (ExAC no frequency). This variant has not been reported in the literature in individuals affected with CDH23-related conditions. Algorithms developed to predict the effect of missense changes on protein structure and function are either unavailable or do not agree on the potential impact of this missense change (SIFT: "Deleterious"; PolyPhen-2: "Not Available"; Align-GVGD: "Class C0"). This variant disrupts the p.Arg2956 amino acid residue in CDH23. Other variant(s) that disrupt this residue have been determined to be pathogenic (PMID: 11090341). This suggests that this residue is clinically significant, and that variants that disrupt this residue are likely to be disease-causing. In summary, the available evidence is currently insufficient to determine the role of this variant in disease. Therefore, it has been classified as a Variant of Uncertain Significance.

Literature cited by the submitters: PubMed 11090341.